The following is an entry in ClinVar:

ClinVar aggregate classification (germline): Uncertain significance (1 of 4 stars; one submission).

Conditions:
Perlman syndrome (PRLMNS). Identifiers: Orphanet 2849, MedGen C0796113, MONDO:0009965, OMIM 267000.

Allele frequency attached by ClinVar (database versions not stated): gnomAD exomes below 0.00001.
gnomAD v4.1: 1 of 1,611,734 alleles (0.000062%); highest among the groups gnomAD compares: Admixed American, 0.0017%; no homozygotes.

Submission:

Labcorp Genetics (formerly Invitae), Labcorp
Classification: Uncertain significance for Perlman syndrome. Last evaluated: 2018-06-24. Review status: criteria provided, single submitter. Criteria: Invitae Variant Classification Sherloc (09022015). Collection method: clinical testing. Allele origin: germline.
Comment: In summary, the available evidence is currently insufficient to determine the role of this variant in disease. Therefore, it has been classified as a Variant of Uncertain Significance. Algorithms developed to predict the effect of missense changes on protein structure and function are either unavailable or do not agree on the potential impact of this missense change (SIFT: "Deleterious"; PolyPhen-2: "Probably Damaging"; Align-GVGD: "Class C0"). This variant has not been reported in the literature in individuals with DIS3L2-related disease. This variant is not present in population databases (ExAC no frequency). This sequence change replaces aspartic acid with glutamic acid at codon 109 of the DIS3L2 protein (p.Asp109Glu). The aspartic acid residue is highly conserved and there is a small physicochemical difference between aspartic acid and glutamic acid.

NM_152383.5(DIS3L2):c.327T>A (p.Asp109Glu)

Gene: DIS3L2 (DIS3 like 3'-5' exoribonuclease 2; plus strand). Cytogenetic location: 2q37.1.
Variant type: single nucleotide variant.
Coding change: c.327T>A on transcript NM_152383.5 (MANE Select); coding-DNA position 327, T replaced by A.
Protein change: p.Asp109Glu; replaces aspartic acid 109 with glutamic acid.
Molecular consequence: missense variant. On other transcripts: non-coding transcript variant (2).
Genome position (GRCh38, 1-based): chr2:232,030,041, T>A. VCF-style: chr2-232030041-T-A. GRCh37 (hg19) VCF-style: chr2-232894751-T-A.
Other names: c.327T>A, p.Asp109Glu (NM_001257281.2, NM_001257282.2); short protein forms D109E.
Identifiers: ClinVar variation 574456 (VCV000574456.8), dbSNP rs1559555044, ClinGen allele CA351152972.
Genomic context (GRCh38, chr2:232,030,041, plus strand): 5'-TGGTGATCGAGACATTTTTATTGATGGGGTTGTTGCTCGTAATAGAGCCTTAAATGGGGA[T>A]CTGGTGGTCGTGAAACTGCTTCCCGAGGAGCATTGGAAGGTGAGTTAAGTTTTCCCTTTC-3'
Protein context (NP_689596.4, residues 99-119): VVARNRALNG[Asp109Glu]LVVVKLLPEE